The following is an entry in ClinVar:

ClinVar aggregate classification (germline): Conflicting classifications of pathogenicity. Review status: criteria provided, conflicting classifications (1 of 4 stars). 2 submissions from 2 submitters: Likely pathogenic (1); Uncertain significance (1). Last evaluated 2025-02-19.

Submissions (2):

Labcorp Genetics (formerly Invitae), Labcorp
Classification: Likely pathogenic. Last evaluated: 2025-02-19. Review status: criteria provided, single submitter. Criteria: Invitae Variant Classification Sherloc (09022015). Collection method: clinical testing. Allele origin: germline.
Comment: This sequence change replaces isoleucine, which is neutral and non-polar, with serine, which is neutral and polar, at codon 38 of the BEST1 protein (p.Ile38Ser). This variant is not present in population databases (gnomAD no frequency). This missense change has been observed in individuals with autosomal recessive bestrophinopathy (PMID: 28831140, 35885980). ClinVar contains an entry for this variant (Variation ID: 424191). Invitae Evidence Modeling of protein sequence and biophysical properties (such as structural, functional, and spatial information, amino acid conservation, physicochemical variation, residue mobility, and thermodynamic stability) indicates that this missense variant is expected to disrupt BEST1 protein function with a positive predictive value of 95%. Experimental studies have shown that this missense change affects BEST1 function (PMID: 28831140). In summary, the currently available evidence indicates that the variant is pathogenic, but additional data are needed to prove that conclusively. Therefore, this variant has been classified as Likely Pathogenic.

GeneDx
Classification: Uncertain significance. Last evaluated: 2017-03-15. Review status: criteria provided, single submitter. Criteria: GeneDx Variant Classification (06012015). Collection method: clinical testing. Allele origin: germline. Affected: yes.
Comment: The I38S variant in the BEST1 gene has not been reported previously as a pathogenic variant, nor as a benign variant, to our knowledge. The I38S variant is not observed in large population cohorts (Lek et al., 2016; 1000 Genomes Consortium et al., 2015; Exome Variant Server). The I38S variant is a non-conservative amino acid substitution, which is likely to impact secondary protein structure as these residues differ in polarity, charge, size and/or other properties. This substitution occurs at a position where amino acids with similar properties to Isoleucine are tolerated across species. In silico analysis predicts this variant is probably damaging to the protein structure/function. We interpret I38S as a variant of uncertain significance.

Literature cited by the submitters: PubMed 28831140 (cited by Labcorp Genetics (formerly Invitae), Labcorp); PubMed 35885980 (cited by Labcorp Genetics (formerly Invitae), Labcorp).

NM_004183.4(BEST1):c.113T>G (p.Ile38Ser)

Gene: BEST1 (bestrophin 1; plus strand). Cytogenetic location: 11q12.3.
Variant type: single nucleotide variant.
Coding change: c.113T>G on transcript NM_004183.4 (MANE Select); coding-DNA position 113, T replaced by G.
Protein change: p.Ile38Ser; replaces isoleucine 38 with serine.
Molecular consequence: missense variant. On other transcripts: non-coding transcript variant (1), intron variant (6).
Genome position (GRCh38, 1-based): chr11:61,951,919, T>G. VCF-style: chr11-61951919-T-G. GRCh37 (hg19) VCF-style: chr11-61719391-T-G.
Other names: c.113T>G, p.Ile38Ser (NM_001363592.2, NM_001440571.1, NM_001440572.1 and 1 more transcripts); c.-29+1492T>G (NM_001139443.3, NM_001300787.2, NM_001440574.1 and 3 more transcripts); short protein forms I38S.
Identifiers: ClinVar variation 424191 (VCV000424191.5), dbSNP rs1064796849, ClinGen allele CA16619353.